The following is an entry in ClinVar:

NM_003482.4(KMT2D):c.6285dup (p.Lys2096Ter)

Gene: KMT2D (lysine methyltransferase 2D; minus strand). Cytogenetic location: 12q13.12.
Variant type: Duplication.
Coding change: c.6285dup on transcript NM_003482.4 (MANE Select); coding-DNA position 6285, one base duplicated (T; older notation c.6285dupT).
Protein change: p.Lys2096Ter; replaces lysine 2096 with a stop codon.
Molecular consequence: nonsense.
Genome position (GRCh38, 1-based): chr12:49,041,485, A duplicated on the plus strand (T on the coding strand, the reverse complement: KMT2D is on the minus strand). VCF-style (leftmost placement, unchanged base first): chr12-49041484-T-TA. GRCh37 (hg19) VCF-style: chr12-49435267-T-TA.
Other names: short protein forms K2096*.
Identifiers: ClinVar variation 2092405 (VCV002092405.4), dbSNP rs2498404200, ClinGen allele CA2580086382.

ClinVar aggregate classification (germline): Pathogenic (1 of 4 stars; one submission).

Conditions:
Kabuki syndrome. Also called: Kabuki make-up syndrome; NIIKAWA-KUROKI SYNDROME. Identifiers: Orphanet 2322, MedGen C0796004, MONDO:0016512.

Submission:

Labcorp Genetics (formerly Invitae), Labcorp
Classification: Pathogenic for Kabuki syndrome. Last evaluated: 2022-02-03. Review status: criteria provided, single submitter. Criteria: Invitae Variant Classification Sherloc (09022015). Collection method: clinical testing. Allele origin: germline.
Comment: This sequence change creates a premature translational stop signal (p.Lys2096*) in the KMT2D gene. It is expected to result in an absent or disrupted protein product. Loss-of-function variants in KMT2D are known to be pathogenic (PMID: 22126750). This variant is not present in population databases (gnomAD no frequency). This variant has not been reported in the literature in individuals affected with KMT2D-related conditions. For these reasons, this variant has been classified as Pathogenic.

Literature cited by the submitters: PubMed 22126750.